The following is an entry in ClinVar:

NM_001457.4(FLNB):c.6941G>A (p.Gly2314Asp)

Gene: FLNB (filamin B; plus strand). Cytogenetic location: 3p14.3.
Variant type: single nucleotide variant.
Coding change: c.6941G>A on transcript NM_001457.4 (MANE Select); coding-DNA position 6941, G replaced by A.
Protein change: p.Gly2314Asp; replaces glycine 2314 with aspartic acid.
Molecular consequence: missense variant.
Genome position (GRCh38, 1-based): chr3:58,159,606, G>A. VCF-style: chr3-58159606-G-A. GRCh37 (hg19) VCF-style: chr3-58145333-G-A.
Other names: c.7034G>A, p.Gly2345Asp (NM_001164317.2); c.6908G>A, p.Gly2303Asp (NM_001164318.2); c.6869G>A, p.Gly2290Asp (NM_001164319.2); short protein forms G2345D, G2303D, G2314D, G2290D.
Identifiers: ClinVar variation 3694867 (VCV003694867.2).

ClinVar aggregate classification (germline): Uncertain significance (1 of 4 stars; one submission).

gnomAD v4.1: 7 of 1,613,940 alleles (0.00043%); highest among the groups gnomAD compares: Non-Finnish European, 0.00051%; no homozygotes.

Submission:

Labcorp Genetics (formerly Invitae), Labcorp
Classification: Uncertain significance. Last evaluated: 2024-10-07. Review status: criteria provided, single submitter. Criteria: Invitae Variant Classification Sherloc (09022015). Collection method: clinical testing. Allele origin: germline.
Comment: This sequence change replaces glycine, which is neutral and non-polar, with aspartic acid, which is acidic and polar, at codon 2314 of the FLNB protein (p.Gly2314Asp). This variant is not present in population databases (gnomAD no frequency). This variant has not been reported in the literature in individuals affected with FLNB-related conditions. Invitae Evidence Modeling of protein sequence and biophysical properties (such as structural, functional, and spatial information, amino acid conservation, physicochemical variation, residue mobility, and thermodynamic stability) has been performed for this missense variant. However, the output from this modeling did not meet the statistical confidence thresholds required to predict the impact of this variant on FLNB protein function. In summary, the available evidence is currently insufficient to determine the role of this variant in disease. Therefore, it has been classified as a Variant of Uncertain Significance.